The following is an entry in ClinVar:

ClinVar aggregate classification (germline): Pathogenic (1 of 4 stars; one submission).

Conditions:
Hereditary cancer-predisposing syndrome. Also called: Tumor predisposition; Hereditary neoplastic syndrome; Hereditary Cancer Syndrome; Neoplastic Syndromes, Hereditary. Identifiers: Orphanet 140162, MedGen C0027672, MeSH D009386, MONDO:0015356.

Submission:

Ambry Genetics
Classification: Pathogenic for Hereditary cancer-predisposing syndrome. Last evaluated: 2025-04-18. Review status: criteria provided, single submitter. Criteria: Ambry Variant Classification Scheme 2023. Collection method: clinical testing. Allele origin: germline.
Comment: The c.280_283dupCGGG pathogenic mutation, located in coding exon 2 of the TMEM127 gene, results from a duplication of CGGG at nucleotide position 280, causing a translational frameshift with a predicted alternate stop codon (p.V95Afs*14). This variant is considered to be rare based on population cohorts in the Genome Aggregation Database (gnomAD). This alteration is expected to result in loss of function by premature protein truncation or nonsense-mediated mRNA decay. As such, this alteration is interpreted as a disease-causing mutation.

NM_017849.4(TMEM127):c.280_283dup (p.Val95fs)

Gene: TMEM127 (transmembrane protein 127; minus strand). Cytogenetic location: 2q11.2.
Variant type: Duplication.
Coding change: c.280_283dup on transcript NM_017849.4 (MANE Select); coding-DNA positions 280 to 283, 4 bases duplicated (CGGG; older notation c.280_283dupCGGG).
Protein change: p.Val95fs; shifts the reading frame from valine 95.
Molecular consequence: frameshift variant.
Genome position (GRCh38, 1-based): chr2:96,254,959-96,254,962, CCCG duplicated on the plus strand (CGGG on the coding strand, the reverse complement: TMEM127 is on the minus strand); duplicating any 4 consecutive bases within chr2:96,254,959-96,254,963 gives the same sequence; the c. name uses the placement nearest the transcript's 3' end. VCF-style (leftmost placement, unchanged base first): chr2-96254958-A-ACCCG. GRCh37 (hg19) VCF-style: chr2-96920696-A-ACCCG.
Other names: c.280_283dupCGGG (NM_017849.3); c.28_31dup, p.Val11fs (NM_001407283.1, NM_001407282.1); c.280_283dup, p.Val95fs (NM_001193304.3); short protein forms V95fs, V11fs.
Identifiers: ClinVar variation 3969901 (VCV003969901.1).
Genomic context (GRCh38, chr2:96,254,958, plus strand): 5'-ACATCCAGAAGGAAAGCGGAGAGACTACACAGGATGCCCAGGAAACAGAAGGCGGCGATG[A>ACCCG]CCCGCAGGAGCAGCACTGTCTGGGGATTCATGCAGAAATCTGTAGAGGGAGAACCAAATT-3'